The following is an entry in ClinVar:

ClinVar aggregate classification (germline): Uncertain significance (1 of 4 stars; one submission).

Conditions:
PCNT-related disorder. Also called: PCNT-related condition.

gnomAD v4.1: 1 of 1,612,426 alleles (0.000062%); highest among the groups gnomAD compares: South Asian, 0.0011%; no homozygotes.

Submission:

PreventionGenetics, part of Exact Sciences
Classification: Uncertain significance for PCNT-related condition. Last evaluated: 2026-09-25. Review status: criteria provided, single submitter. Criteria: ACMG Guidelines, 2015. Collection method: clinical testing. Allele origin: germline.
Comment: The PCNT c.9814G>A variant is predicted to result in the amino acid substitution p.Ala3272Thr. To our knowledge, this variant has not been reported in the literature or in a large population database (gnomAD), indicating this variant is rare. At this time, the clinical significance of this variant is uncertain due to the absence of conclusive functional and genetic evidence.

NM_006031.6(PCNT):c.9814G>A (p.Ala3272Thr)

Gene: PCNT (pericentrin; plus strand). Cytogenetic location: 21q22.3.
Variant type: single nucleotide variant.
Coding change: c.9814G>A on transcript NM_006031.6 (MANE Select); coding-DNA position 9814, G replaced by A.
Protein change: p.Ala3272Thr; replaces alanine 3272 with threonine.
Molecular consequence: missense variant.
Genome position (GRCh38, 1-based): chr21:46,443,923, G>A. VCF-style: chr21-46443923-G-A. GRCh37 (hg19) VCF-style: chr21-47863836-G-A.
Other names: c.9223G>A, p.Ala3075Thr (NM_001315529.2); short protein forms A3075T, A3272T.
Identifiers: ClinVar variation 4995207 (VCV004995207.1).
Genomic context (GRCh38, chr21:46,443,923, plus strand): 5'-ACCCGGGATGTACCCTCTGGCCACACCAGGGACCCTGCCAGAGGCCGCAGACTGGCAGCA[G>A]CAGCCTCCCCACACAGTGGGGGAAGGTCAGTGTGATGCCTTCAGGCCCCGTCTCCTGCCA-3'
Protein context (NP_006022.3, residues 3262-3282): DPARGRRLAA[Ala3272Thr]ASPHSGGRAT